The following is an entry in ClinVar:

NM_005732.4(RAD50):c.88C>A (p.Pro30Thr)

Gene: RAD50 (RAD50 double strand break repair protein; plus strand). Cytogenetic location: 5q31.1.
Variant type: single nucleotide variant.
Coding change: c.88C>A on transcript NM_005732.4 (MANE Select); coding-DNA position 88, C replaced by A.
Protein change: p.Pro30Thr; replaces proline 30 with threonine.
Molecular consequence: missense variant.
Genome position (GRCh38, 1-based): chr5:132,557,412, C>A. VCF-style: chr5-132557412-C-A. GRCh37 (hg19) VCF-style: chr5-131893104-C-A.
Other names: short protein forms P30T.
Identifiers: ClinVar variation 1015130 (VCV001015130.9), dbSNP rs1321131254, ClinGen allele CA360951556.

ClinVar aggregate classification (germline): Uncertain significance (1 of 4 stars; one submission).

Conditions:
Hereditary cancer-predisposing syndrome. Also called: Hereditary Cancer Syndrome; Tumor predisposition; Neoplastic Syndromes, Hereditary; Hereditary neoplastic syndrome. Identifiers: Orphanet 140162, MedGen C0027672, MeSH D009386, MONDO:0015356.

Submission:

Labcorp Genetics (formerly Invitae), Labcorp
Classification: Uncertain significance for Hereditary cancer-predisposing syndrome. Last evaluated: 2020-02-19. Review status: criteria provided, single submitter. Criteria: Invitae Variant Classification Sherloc (09022015). Collection method: clinical testing. Allele origin: germline.
Comment: In summary, the available evidence is currently insufficient to determine the role of this variant in disease. Therefore, it has been classified as a Variant of Uncertain Significance. Algorithms developed to predict the effect of missense changes on protein structure and function are either unavailable or do not agree on the potential impact of this missense change (SIFT: "Deleterious"; PolyPhen-2: "Probably Damaging"; Align-GVGD: "Class C0"). This variant has not been reported in the literature in individuals with RAD50-related conditions. This variant is not present in population databases (ExAC no frequency). This sequence change replaces proline with threonine at codon 30 of the RAD50 protein (p.Pro30Thr). The proline residue is highly conserved and there is a small physicochemical difference between proline and threonine.